The following is an entry in ClinVar:

NM_000350.3(ABCA4):c.4038G>A (p.Thr1346=)

Gene: ABCA4 (ATP binding cassette subfamily A member 4; minus strand). Cytogenetic location: 1p22.1.
Variant type: single nucleotide variant.
Coding change: c.4038G>A on transcript NM_000350.3 (MANE Select); coding-DNA position 4038, G replaced by A.
Protein change: p.Thr1346=; no amino-acid change (threonine 1346 retained).
Molecular consequence: synonymous variant.
Genome position (GRCh38, 1-based): chr1:94,031,868, C>T on the plus strand (G>A on the coding strand, the complement: ABCA4 is on the minus strand). VCF-style: chr1-94031868-C-T. GRCh37 (hg19) VCF-style: chr1-94497424-C-T.
Other names: c.3816G>A, p.Thr1272= (NM_001425324.1).
Identifiers: ClinVar variation 669183 (VCV000669183.10), dbSNP rs142418039, ClinGen allele CA957739.

ClinVar aggregate classification (germline): Likely benign. Review status: criteria provided, multiple submitters, no conflicts (2 of 4 stars). 4 submissions from 4 submitters: Likely benign (3). 1 of the submissions does not count toward it. Last evaluated 2024-11-11.

Conditions:
ABCA4-related disorder. Also called: ABCA4-related disorders; ABCA4-related condition. Identifiers: MedGen CN239167.

Allele frequency attached by ClinVar (database versions not stated): gnomAD 0.00001; gnomAD exomes 0.00002; ExAC 0.00004; TOPMed 0.00004; ESP Exome Variant Server 0.00023.
gnomAD v4.1: 36 of 1,614,056 alleles (0.0022%); highest among the groups gnomAD compares: Non-Finnish European, 0.0024%; no homozygotes.

Submissions (4):

Labcorp Genetics (formerly Invitae), Labcorp
Classification: Likely benign. Last evaluated: 2024-11-11. Review status: criteria provided, single submitter. Criteria: Invitae Variant Classification Sherloc (09022015). Collection method: clinical testing. Allele origin: germline.

Blueprint Genetics
Classification: Likely benign. Last evaluated: 2024-03-18. Review status: criteria provided, single submitter. Criteria: ACMG Guidelines, 2015. Collection method: clinical testing. Allele origin: germline.

GeneDx
Classification: Likely benign. Last evaluated: 2018-05-31. Review status: criteria provided, single submitter. Criteria: GeneDx Variant Classification (06012015). Collection method: clinical testing. Allele origin: germline. Affected: yes.
Comment: This variant is considered likely benign or benign based on one or more of the following criteria: it is a conservative change, it occurs at a poorly conserved position in the protein, it is predicted to be benign by multiple in silico algorithms, and/or has population frequency not consistent with disease.

PreventionGenetics, part of Exact Sciences
Classification: Likely benign for ABCA4-related condition. Last evaluated: 2024-06-11. Review status: no assertion criteria provided. Collection method: clinical testing. Allele origin: germline. Not counted in ClinVar's aggregate classification.
Comment: This variant is classified as likely benign based on ACMG/AMP sequence variant interpretation guidelines (Richards et al. 2015 PMID: 25741868, with internal and published modifications).